The following is an entry in ClinVar:

ClinVar aggregate classification (germline): Likely pathogenic. Review status: criteria provided, single submitter (1 of 4 stars). 2 submissions from 2 submitters: Likely pathogenic (1). 1 of the submissions does not count toward it. Last evaluated 2022-09-22.

Conditions:
DDX41-related hematologic malignancy predisposition syndrome. Also called: DDX41-Associated Familial Myelodysplastic Syndrome and Acute Myeloid Leukemia; Myeloproliferative/lymphoproliferative neoplasms, familial (multiple types), susceptibility to. Identifiers: Orphanet 488647, MedGen C4225174, MONDO:0014809, OMIM 616871.
DDX41-related disorder. Also called: DDX41-related condition.

Submissions (2):

PreventionGenetics, part of Exact Sciences
Classification: Likely pathogenic for DDX41-related condition. Last evaluated: 2022-09-22. Review status: criteria provided, single submitter. Criteria: ACMG Guidelines, 2015. Collection method: clinical testing. Allele origin: germline.
Comment: The DDX41 c.423delC variant is predicted to result in a frameshift and premature protein termination (p.Ile142Serfs*12). To our knowledge, this variant has not been reported in the literature or in a large population database, indicating this variant is rare. Frameshift variants in DDX41 are expected to be pathogenic. This variant is interpreted as likely pathogenic.

Clinical Genomics Labs, University Health Network
Classification: Pathogenic for DDX41-related hematologic malignancy predisposition syndrome. Last evaluated: 2022-07-08. Review status: no assertion criteria provided. Criteria: ACMG Guidelines, 2015. Collection method: clinical testing. Allele origin: germline. Affected: yes. Not counted in ClinVar's aggregate classification.

NM_016222.4(DDX41):c.423del (p.Ile142fs)

Gene: DDX41 (DEAD-box helicase 41; minus strand). Cytogenetic location: 5q35.3.
Variant type: Deletion.
Coding change: c.423del on transcript NM_016222.4 (MANE Select); coding-DNA position 423, one base deleted (C; older notation c.423delC).
Protein change: p.Ile142fs; shifts the reading frame from isoleucine 142.
Molecular consequence: frameshift variant.
Genome position (GRCh38, 1-based): chr5:177,515,940, G deleted on the plus strand (C on the coding strand, the reverse complement: DDX41 is on the minus strand); the first of 4 consecutive G bases (chr5:177,515,940-177,515,943); deleting any one gives the same sequence. VCF-style (leftmost placement, unchanged base first): chr5-177515939-TG-T. GRCh37 (hg19) VCF-style: chr5-176942940-TG-T.
Other names: c.45del, p.Ile16fs (NM_001321732.2, NM_001321830.2); short protein forms I142fs, I16fs.
Identifiers: ClinVar variation 2500228 (VCV002500228.2), dbSNP rs2532088466, ClinGen allele CA2580074068.